The following is an entry in ClinVar:

ClinVar aggregate classification (germline): Benign. Review status: criteria provided, multiple submitters, no conflicts (2 of 4 stars). 2 submissions from 2 submitters: Benign (2). Last evaluated 2018-06-14.

Allele frequency attached by ClinVar (database versions not stated): ESP Exome Variant Server 0.34619; TOPMed 0.39100; 1000 Genomes Project 0.44988; 1000 Genomes Project 30x 0.45159.
gnomAD v4.1: 234,285 of 771,594 alleles (30%); highest among the groups gnomAD compares: African/African-American, 60%; 41,987 homozygotes.

Submissions (4):

GeneDx
Classification: Benign. Last evaluated: 2018-06-14. Review status: criteria provided, single submitter. Criteria: GeneDx Variant Classification (06012015). Collection method: clinical testing. Allele origin: germline. Affected: yes.
Comment: This variant is considered likely benign or benign based on one or more of the following criteria: it is a conservative change, it occurs at a poorly conserved position in the protein, it is predicted to be benign by multiple in silico algorithms, and/or has population frequency not consistent with disease.

Breakthrough Genomics
Classification: Benign. Review status: criteria provided, single submitter. Criteria: ACMG Guidelines, 2015. Collection method: not provided. Allele origin: germline. Inheritance: Autosomal recessive inheritance. Affected: yes.

Dr. Peter K. Rogan Lab, Western University
No classification provided (evidence only). Condition: Uveal melanoma. Review status: no classification provided. Collection method: in vitro. Allele origin: not applicable. Functional consequence: retained intron. Not counted in ClinVar's aggregate classification.

Dr. Peter K. Rogan Lab, Western University
No classification provided (evidence only). Condition: Uveal melanoma. Review status: no classification provided. Collection method: in vitro. Allele origin: not applicable. Functional consequence: retained intron. Not counted in ClinVar's aggregate classification.

NM_022124.6(CDH23):c.3369+298C>G

Genes: C10orf105 (chromosome 10 open reading frame 105; minus strand), CDH23 (cadherin related 23; plus strand). Cytogenetic location: 10q22.1.
Variant type: single nucleotide variant.
Coding change: c.3369+298C>G on transcript NM_022124.6 (MANE Select); 298 bases into the intron after coding-DNA position 3369, C replaced by G.
Molecular consequence: intron variant. On other transcripts: 3 prime UTR variant (2).
Genome position (GRCh38, 1-based): chr10:71,713,111, C>G. VCF-style: chr10-71713111-C-G. GRCh37 (hg19) VCF-style: chr10-73472868-C-G.
Other names: NC_000010.10:g.73472868C>G; c.3369+298C>G (NM_001171930.2); c.*2825G>C (NM_001164375.3, NM_001168390.2).
Identifiers: ClinVar variation 680503 (VCV000680503.4), dbSNP rs2394838, ClinGen allele CA5544585.
Genomic context (GRCh38, chr10:71,713,111, plus strand): 5'-GGAAGACTTGGCCTCCCCCTGCATATCTCCCGCCCCACCCAGAAGGGCCTTTCAGAGTAG[C>G]GGGGAGAAAGAGACGTCACAATTTCCCGGAAAGGAGTTGAGAAGAGAGCCAGGGCCCAGC-3'